The following is an entry in ClinVar:

ClinVar aggregate classification (germline): Uncertain significance (1 of 4 stars; one submission).

Submission:

Labcorp Genetics (formerly Invitae), Labcorp
Classification: Uncertain significance. Last evaluated: 2022-03-11. Review status: criteria provided, single submitter. Criteria: Invitae Variant Classification Sherloc (09022015). Collection method: clinical testing. Allele origin: germline.
Comment: In summary, the available evidence is currently insufficient to determine the role of this variant in disease. Therefore, it has been classified as a Variant of Uncertain Significance. Algorithms developed to predict the effect of missense changes on protein structure and function are either unavailable or do not agree on the potential impact of this missense change (SIFT: "Tolerated"; PolyPhen-2: "Not Available"; Align-GVGD: "Class C0"). This variant has not been reported in the literature in individuals affected with ERCC6L2-related conditions. This variant is not present in population databases (gnomAD no frequency). This sequence change replaces serine, which is neutral and polar, with threonine, which is neutral and polar, at codon 790 of the ERCC6L2 protein (p.Ser790Thr).

NM_020207.7(ERCC6L2):c.2336G>C (p.Ser779Thr)

Gene: ERCC6L2 (ERCC excision repair 6 like 2; plus strand). Cytogenetic location: 9q22.32.
Variant type: single nucleotide variant.
Coding change: c.2336G>C on transcript NM_020207.7 (MANE Select); coding-DNA position 2336, G replaced by C.
Protein change: p.Ser779Thr; replaces serine 779 with threonine.
Molecular consequence: missense variant. On other transcripts: non-coding transcript variant (1).
Genome position (GRCh38, 1-based): chr9:95,972,087, G>C. VCF-style: chr9-95972087-G-C. GRCh37 (hg19) VCF-style: chr9-98734369-G-C.
Other names: c.2336G>C, p.Ser779Thr (NM_001375291.1, NM_001375292.1, NM_001375293.1 and 1 more transcripts); short protein forms S779T.
Identifiers: ClinVar variation 2109383 (VCV002109383.4), dbSNP rs2133078414, ClinGen allele CA2580080730.